The following is an entry in ClinVar:

ClinVar aggregate classification (germline): Conflicting classifications of pathogenicity. Review status: criteria provided, conflicting classifications (1 of 4 stars). 6 submissions from 6 submitters: Uncertain significance (1); Likely benign (4). 1 of the submissions does not count toward it. Last evaluated 2026-07-01.

Conditions:
NDUFAF3-related disorder. Also called: NDUFAF3-related condition.
Mitochondrial complex I deficiency, nuclear type 1. Also called: NADH-COENZYME Q REDUCTASE DEFICIENCY; MITOCHONDRIAL NADH DEHYDROGENASE COMPONENT OF COMPLEX I, DEFICIENCY OF. Identifiers: MedGen C6022305, MONDO:0100224, OMIM 252010.

Allele frequency attached by ClinVar (database versions not stated): ESP Exome Variant Server 0.00015; ExAC 0.00021; TOPMed 0.00031; gnomAD exomes 0.00035; gnomAD 0.00036 and 0.00037.

Submissions (6):

CeGaT Center for Human Genetics Tuebingen
Classification: Likely benign. Last evaluated: 2026-07-01. Review status: criteria provided, single submitter. Criteria: CeGaT Center For Human Genetics Tuebingen Variant Classification Criteria Version 2. Collection method: clinical testing. Allele origin: germline. Affected: yes. Observed: 3 variant alleles.
Comment: NDUFAF3: BP4, BP7

Labcorp Genetics (formerly Invitae), Labcorp
Classification: Likely benign. Last evaluated: 2025-10-21. Review status: criteria provided, single submitter. Criteria: Invitae Variant Classification Sherloc (09022015). Collection method: clinical testing. Allele origin: germline.

Blueprint Genetics
Classification: Likely benign. Last evaluated: 2023-04-28. Review status: criteria provided, single submitter. Criteria: ACMG Guidelines, 2015. Collection method: clinical testing. Allele origin: germline.

GeneDx
Classification: Likely benign. Last evaluated: 2020-09-10. Review status: criteria provided, single submitter. Criteria: GeneDx Variant Classification Process June 2021. Collection method: clinical testing. Allele origin: germline. Affected: yes.

Illumina Laboratory Services, Illumina
Classification: Uncertain significance for Mitochondrial complex I deficiency, nuclear type 1. Last evaluated: 2018-01-12. Review status: criteria provided, single submitter. Criteria: ICSL Variant Classification Criteria 13 December 2019. Collection method: clinical testing. Allele origin: germline.

PreventionGenetics, part of Exact Sciences
Classification: Likely benign for NDUFAF3-related condition. Last evaluated: 2019-02-19. Review status: no assertion criteria provided. Collection method: clinical testing. Allele origin: germline. Not counted in ClinVar's aggregate classification.
Comment: This variant is classified as likely benign based on ACMG/AMP sequence variant interpretation guidelines (Richards et al. 2015 PMID: 25741868, with internal and published modifications).

NM_199069.2(NDUFAF3):c.342C>T (p.Ile114=)

Gene: NDUFAF3 (NADH:ubiquinone oxidoreductase complex assembly factor 3; plus strand). Cytogenetic location: 3p21.31.
Variant type: single nucleotide variant.
Coding change: c.342C>T on transcript NM_199069.2 (MANE Select); coding-DNA position 342, C replaced by T.
Protein change: p.Ile114=; no amino-acid change (isoleucine 114 retained).
Molecular consequence: synonymous variant.
Genome position (GRCh38, 1-based): chr3:49,022,880, C>T. VCF-style: chr3-49022880-C-T. GRCh37 (hg19) VCF-style: chr3-49060313-C-T.
Other names: c.171C>T, p.Ile57= (NM_199070.2, NM_199073.2, NM_199074.2).
Identifiers: ClinVar variation 516396 (VCV000516396.38), dbSNP rs202104160, ClinGen allele CA2390290.